The following is an entry in ClinVar:

NM_000059.4(BRCA2):c.2975A>T (p.Lys992Ile)

Gene: BRCA2 (BRCA2 DNA repair associated; plus strand). Cytogenetic location: 13q13.1.
Variant type: single nucleotide variant.
Coding change: c.2975A>T on transcript NM_000059.4 (MANE Select); coding-DNA position 2975, A replaced by T.
Protein change: p.Lys992Ile; replaces lysine 992 with isoleucine.
Molecular consequence: missense variant.
Genome position (GRCh38, 1-based): chr13:32,337,330, A>T. VCF-style: chr13-32337330-A-T. GRCh37 (hg19) VCF-style: chr13-32911467-A-T.
Other names: short protein forms K992I.
Identifiers: ClinVar variation 822399 (VCV000822399.12), dbSNP rs1370517493, ClinGen allele CA387774548.

ClinVar aggregate classification (germline): Conflicting classifications of pathogenicity. Review status: criteria provided, conflicting classifications (1 of 4 stars). 3 submissions from 3 submitters: Uncertain significance (2); Likely benign (1). Last evaluated 2025-11-10.

Conditions:
Hereditary cancer-predisposing syndrome. Also called: Tumor predisposition; Hereditary Cancer Syndrome; Neoplastic Syndromes, Hereditary; Hereditary neoplastic syndrome. Identifiers: Orphanet 140162, MedGen C0027672, MeSH D009386, MONDO:0015356.
Hereditary breast ovarian cancer syndrome. Also called: Hereditary breast and ovarian cancer; Breast and ovarian cancer; Hereditary breast and/or ovarian cancer syndrome; Hereditary breast and ovarian cancer syndrome; BRCA1- and BRCA2-Associated Hereditary Breast and Ovarian Cancer; Hereditary breast and ovarian cancer syndrome (HBOC). Identifiers: Orphanet 145, MedGen C0677776, MeSH D061325, MONDO:0003582. Disease mechanism: loss of function.

Allele frequency attached by ClinVar (database versions not stated): TOPMed below 0.00001.

Submissions (3):

Labcorp Genetics (formerly Invitae), Labcorp
Classification: Uncertain significance for Hereditary breast ovarian cancer syndrome. Last evaluated: 2025-11-10. Review status: criteria provided, single submitter. Criteria: Invitae Variant Classification Sherloc (09022015). Collection method: clinical testing. Allele origin: germline.
Comment: This sequence change replaces lysine, which is basic and polar, with isoleucine, which is neutral and non-polar, at codon 992 of the BRCA2 protein (p.Lys992Ile). This variant is not present in population databases (gnomAD no frequency). This variant has not been reported in the literature in individuals affected with BRCA2-related conditions. ClinVar contains an entry for this variant (Variation ID: 822399). Invitae Evidence Modeling of protein sequence and biophysical properties (such as structural, functional, and spatial information, amino acid conservation, physicochemical variation, residue mobility, and thermodynamic stability) indicates that this missense variant is not expected to disrupt BRCA2 protein function with a negative predictive value of 95%. In summary, the available evidence is currently insufficient to determine the role of this variant in disease. Therefore, it has been classified as a Variant of Uncertain Significance.

University of Washington Department of Laboratory Medicine, University of Washington
Classification: Likely benign for Hereditary cancer-predisposing syndrome. Last evaluated: 2023-03-23. Review status: criteria provided, single submitter. Criteria: Dines et al. (Genet Med. 2020). Collection method: curation. Allele origin: germline.
Comment: Missense variant in a coldspot region where missense variants are very unlikely to be pathogenic (PMID:31911673).

BRCA2 exon 11 coldspot. Reclassification based on statistical prior probability.

Ambry Genetics
Classification: Uncertain significance for Hereditary cancer-predisposing syndrome. Last evaluated: 2019-10-10. Review status: criteria provided, single submitter. Criteria: Ambry Variant Classification Scheme 2023. Collection method: clinical testing. Allele origin: germline.
Comment: The p.K992I variant (also known as c.2975A>T), located in coding exon 10 of the BRCA2 gene, results from an A to T substitution at nucleotide position 2975. The lysine at codon 992 is replaced by isoleucine, an amino acid with dissimilar properties. This amino acid position is not well conserved in available vertebrate species. In addition, this alteration is predicted to be tolerated by in silico analysis. Since supporting evidence is limited at this time, the clinical significance of this alteration remains unclear.